The following is an entry in ClinVar:

NM_002734.5(PRKAR1A):c.762T>C (p.Ser254=)

Gene: PRKAR1A (protein kinase cAMP-dependent type I regulatory subunit alpha; plus strand). Cytogenetic location: 17q24.2.
Variant type: single nucleotide variant.
Coding change: c.762T>C on transcript NM_002734.5 (MANE Select); coding-DNA position 762, T replaced by C.
Protein change: p.Ser254=; no amino-acid change (serine 254 retained).
Molecular consequence: synonymous variant.
Genome position (GRCh38, 1-based): chr17:68,527,893, T>C. VCF-style: chr17-68527893-T-C. GRCh37 (hg19) VCF-style: chr17-66524034-T-C.
Other names: c.762T>C, p.Ser254= (NM_001276289.2, NM_001276290.1, NM_001278433.2 and 4 more transcripts).
Identifiers: ClinVar variation 469074 (VCV000469074.45), dbSNP rs753621663, ClinGen allele CA8729361.
Genomic context (GRCh38, chr17:68,527,893, plus strand): 5'-TTTTTAGGGAAGCACACTGAGAAAGCGGAAGATGTATGAGGAATTCCTTAGTAAAGTCTC[T>C]ATTTTAGGTGAGTTGTAAAGTGTGTTAACTTTGCTAGTATGTGAGATACCCCTGAATTAG-3'
Protein context (NP_002725.1, residues 244-264): KMYEEFLSKV[Ser254=]ILESLDKWER

ClinVar aggregate classification (germline): Benign/Likely benign. Review status: criteria provided, multiple submitters, no conflicts (2 of 4 stars). 8 submissions from 7 submitters: Benign (1); Likely benign (6). 1 of the submissions does not count toward it. Last evaluated 2026-05-30.

Conditions:
PRKAR1A-related disorder. Also called: PRKAR1A-related condition.
Acrodysostosis 1 with or without hormone resistance (ACRDYS1). Also called: ACRODYSOSTOSIS 1 WITH HORMONE RESISTANCE; ACRODYSOSTOSIS 1 WITHOUT HORMONE RESISTANCE; ACRODYSOSTOSIS WITH HORMONE RESISTANCE. Identifiers: Orphanet 280651, MedGen C3276228, MONDO:0007044, OMIM 101800.
Carney complex, type 1 (CNC1). Also called: CARNEY COMPLEX, TYPE I; CARNEY MYXOMA-ENDOCRINE COMPLEX. Identifiers: Orphanet 1359, MedGen C2607929, MONDO:0008057, OMIM 160980.
Hereditary cancer-predisposing syndrome. Also called: Hereditary neoplastic syndrome; Tumor predisposition; Neoplastic Syndromes, Hereditary; Hereditary Cancer Syndrome. Identifiers: Orphanet 140162, MedGen C0027672, MeSH D009386, MONDO:0015356.

Allele frequency attached by ClinVar (database versions not stated): gnomAD exomes 0.00001 and 0.00002; ExAC 0.00003; gnomAD 0.00003; TOPMed 0.00004.
gnomAD v4.1: 13 of 1,610,192 alleles (0.00081%); highest among the groups gnomAD compares: Non-Finnish European, 0.0011%; no homozygotes.

Submissions (8):

Women's Health and Genetics/Laboratory Corporation of America, LabCorp
Classification: Likely benign. Last evaluated: 2026-05-30. Review status: criteria provided, single submitter. Criteria: LabCorp Variant Classification Summary - May 2015. Collection method: clinical testing. Allele origin: germline.

Labcorp Genetics (formerly Invitae), Labcorp
Classification: Likely benign for Carney complex, type 1. Last evaluated: 2025-11-23. Review status: criteria provided, single submitter. Criteria: Invitae Variant Classification Sherloc (09022015). Collection method: clinical testing. Allele origin: germline.

Blueprint Genetics
Classification: Likely benign. Last evaluated: 2024-11-08. Review status: criteria provided, single submitter. Criteria: ACMG Guidelines, 2015. Collection method: clinical testing. Allele origin: germline.

CeGaT Center for Human Genetics Tuebingen
Classification: Likely benign. Last evaluated: 2024-06-01. Review status: criteria provided, single submitter. Criteria: CeGaT Center For Human Genetics Tuebingen Variant Classification Criteria Version 2. Collection method: clinical testing. Allele origin: germline. Affected: yes. Observed: 2 variant alleles.
Comment: PRKAR1A: BP4, BP7

Ambry Genetics
Classification: Likely benign for Hereditary cancer-predisposing syndrome. Last evaluated: 2018-03-19. Review status: criteria provided, single submitter. Criteria: Ambry Variant Classification Scheme 2023. Collection method: clinical testing. Allele origin: germline.

Illumina Laboratory Services, Illumina
Classification: Likely benign for Acrodysostosis 1 with or without hormone resistance. Last evaluated: 2018-01-12. Review status: criteria provided, single submitter. Criteria: ICSL Variant Classification Criteria 13 December 2019. Collection method: clinical testing. Allele origin: germline.
Comment: This variant was observed in the ICSL laboratory as part of a predisposition screen in an ostensibly healthy population. It had not been previously curated by ICSL or reported in the Human Gene Mutation Database (HGMD: prior to June 1st, 2018), and was therefore a candidate for classification through an automated scoring system. Utilizing variant allele frequency, disease prevalence and penetrance estimates, and inheritance mode, an automated score was calculated to assess if this variant is too frequent to cause the disease. Based on the score and internal cut-off values, a variant classified as likely benign is not then subjected to further curation. The score for this variant resulted in a classification of likely benign for this disease.

Illumina Laboratory Services, Illumina
Classification: Benign for Carney complex, type 1. Last evaluated: 2018-01-12. Review status: criteria provided, single submitter. Criteria: ICSL Variant Classification Criteria 13 December 2019. Collection method: clinical testing. Allele origin: germline.
Comment: This variant was observed in the ICSL laboratory as part of a predisposition screen in an ostensibly healthy population. It had not been previously curated by ICSL or reported in the Human Gene Mutation Database (HGMD: prior to June 1st, 2018), and was therefore a candidate for classification through an automated scoring system. Utilizing variant allele frequency, disease prevalence and penetrance estimates, and inheritance mode, an automated score was calculated to assess if this variant is too frequent to cause the disease. Based on the score and internal cut-off values, a variant classified as benign is not then subjected to further curation. The score for this variant resulted in a classification of benign for this disease.

PreventionGenetics, part of Exact Sciences
Classification: Likely benign for PRKAR1A-related condition. Last evaluated: 2019-06-02. Review status: no assertion criteria provided. Collection method: clinical testing. Allele origin: germline. Not counted in ClinVar's aggregate classification.
Comment: This variant is classified as likely benign based on ACMG/AMP sequence variant interpretation guidelines (Richards et al. 2015 PMID: 25741868, with internal and published modifications).